The following is an entry in ClinVar:

NM_020843.4(SCAPER):c.540C>T (p.Arg180=)

Gene: SCAPER (S-phase cyclin A associated protein in the ER; minus strand). Cytogenetic location: 15q24.3.
Variant type: single nucleotide variant.
Coding change: c.540C>T on transcript NM_020843.4 (MANE Select); coding-DNA position 540, C replaced by T.
Protein change: p.Arg180=; no amino-acid change (arginine 180 retained).
Molecular consequence: synonymous variant. On other transcripts: 5 prime UTR variant (1), non-coding transcript variant (1).
Genome position (GRCh38, 1-based): chr15:76,800,319, G>A on the plus strand (C>T on the coding strand, the complement: SCAPER is on the minus strand). VCF-style: chr15-76800319-G-A. GRCh37 (hg19) VCF-style: chr15-77092660-G-A.
Other names: c.-358C>T (NM_001145923.2); c.540C>T, p.Arg180= (NM_001353009.2); c.138C>T, p.Arg46= (NM_001353010.2, NM_001353011.2, NM_001353012.2).
Identifiers: ClinVar variation 4994216 (VCV004994216.1).

ClinVar aggregate classification (germline): Likely benign (1 of 4 stars; one submission).

Conditions:
SCAPER-related disorder. Also called: SCAPER-related condition.

Submission:

PreventionGenetics, part of Exact Sciences
Classification: Likely benign for SCAPER-related condition. Last evaluated: 2025-09-19. Review status: criteria provided, single submitter. Criteria: ACMG Guidelines, 2015. Collection method: clinical testing. Allele origin: germline.
Comment: This variant is classified as likely benign based on ACMG/AMP sequence variant interpretation guidelines (Richards et al. 2015 PMID: 25741868, with internal and published modifications).